The following is an entry in ClinVar:

ClinVar aggregate classification (germline): Uncertain significance (1 of 4 stars; one submission).

Conditions:
Familial adenomatous polyposis 1 (FAP1). Also called: FAMILIAL ADENOMATOUS POLYPOSIS 1, ATTENUATED; POLYPOSIS, ADENOMATOUS INTESTINAL. Identifiers: MedGen C2713442, MONDO:0021056, OMIM 175100. Disease mechanism: loss of function.

Submission:

Labcorp Genetics (formerly Invitae), Labcorp
Classification: Uncertain significance for Familial adenomatous polyposis 1. Last evaluated: 2022-05-23. Review status: criteria provided, single submitter. Criteria: Invitae Variant Classification Sherloc (09022015). Collection method: clinical testing. Allele origin: germline.
Comment: In summary, the available evidence is currently insufficient to determine the role of this variant in disease. Therefore, it has been classified as a Variant of Uncertain Significance. Experimental studies and prediction algorithms are not available or were not evaluated, and the functional significance of this variant is currently unknown. This variant has not been reported in the literature in individuals affected with APC-related conditions. This variant is not present in population databases (gnomAD no frequency). This variant occurs in a non-coding region of the APC gene. It does not change the encoded amino acid sequence of the APC protein.

NM_001127511.3(APC):c.162G>A (p.Trp54Ter)

Gene: APC (APC regulator of Wnt signaling pathway; plus strand). Cytogenetic location: 5q22.2.
Variant type: single nucleotide variant.
Coding change: c.162G>A on transcript NM_001127511.3; coding-DNA position 162, G replaced by A.
Protein change: p.Trp54Ter; replaces tryptophan 54 with a stop codon.
Molecular consequence: nonsense. On other transcripts: 5 prime UTR variant (8), non-coding transcript variant (1), intron variant (5).
Genome position (GRCh38, 1-based): chr5:112,707,879, G>A. VCF-style: chr5-112707879-G-A. GRCh37 (hg19) VCF-style: chr5-112043576-G-A.
Other names: c.-22G>A (NM_001354895.2, NM_001407447.1, NM_001407452.1 and 3 more transcripts); c.162G>A, p.Trp54Ter (NM_001354897.2, NM_001354902.2, NM_001407446.1); c.-1057G>A (NM_001407470.1, NM_001407472.1); c.-19+230G>A (NM_001407448.1, NM_001407450.1, NM_001407457.1 and 1 more transcripts); c.-43+230G>A (NM_001407453.1); short protein forms W54*.
Identifiers: ClinVar variation 1976469 (VCV001976469.5), dbSNP rs2149631494, ClinGen allele CA360612215.
Genomic context (GRCh38, chr5:112,707,879, plus strand): 5'-CCGGCAGGAGACGAAGAGCCCGGGCGGCGCTCGTACTTCTGGCCACTGGGCGAGCGTCTG[G>A]CAGGTGAGTGAGGCTGCAGGCATTGACGTCTCCTCCCGGCAAAGCTTCCTCGGCTTTGCC-3'